The following is an entry in ClinVar:

NM_025114.4(CEP290):c.4232A>G (p.Glu1411Gly)

Gene: CEP290 (centrosomal protein 290; minus strand). Cytogenetic location: 12q21.32.
Variant type: single nucleotide variant.
Coding change: c.4232A>G on transcript NM_025114.4 (MANE Select); coding-DNA position 4232, A replaced by G.
Protein change: p.Glu1411Gly; replaces glutamic acid 1411 with glycine.
Molecular consequence: missense variant.
Genome position (GRCh38, 1-based): chr12:88,086,461, T>C on the plus strand (A>G on the coding strand, the complement: CEP290 is on the minus strand). VCF-style: chr12-88086461-T-C. GRCh37 (hg19) VCF-style: chr12-88480238-T-C.
Other names: short protein forms E1411G.
Identifiers: ClinVar variation 4532458 (VCV004532458.1).

ClinVar aggregate classification (germline): Uncertain significance (1 of 4 stars; one submission).

gnomAD v4.1: 2 of 1,599,928 alleles (0.00013%); no homozygotes.

Submission:

GeneDx
Classification: Uncertain significance. Last evaluated: 2025-05-28. Review status: criteria provided, single submitter. Criteria: GeneDx Variant Classification Process June 2021. Collection method: clinical testing. Allele origin: germline. Affected: yes.
Comment: Not observed at significant frequency in large population cohorts (gnomAD); In silico analysis supports that this missense variant has a deleterious effect on protein structure/function; Has not been previously published as pathogenic or benign to our knowledge